The following is an entry in ClinVar:

NM_000392.5(ABCC2):c.1399G>A (p.Val467Ile)

Gene: ABCC2 (ATP binding cassette subfamily C member 2; plus strand). Cytogenetic location: 10q24.2.
Variant type: single nucleotide variant.
Coding change: c.1399G>A on transcript NM_000392.5 (MANE Select); coding-DNA position 1399, G replaced by A.
Protein change: p.Val467Ile; replaces valine 467 with isoleucine.
Molecular consequence: missense variant.
Genome position (GRCh38, 1-based): chr10:99,804,208, G>A. VCF-style: chr10-99804208-G-A. GRCh37 (hg19) VCF-style: chr10-101563965-G-A.
Other names: short protein forms V467I.
Identifiers: ClinVar variation 4991326 (VCV004991326.1).

ClinVar aggregate classification (germline): Uncertain significance (1 of 4 stars; one submission).

Conditions:
ABCC2-related disorder. Also called: ABCC2-related condition.

gnomAD v4.1: 2 of 1,614,158 alleles (0.00012%); highest among the groups gnomAD compares: East Asian, 0.0045%; no homozygotes.

Submission:

PreventionGenetics, part of Exact Sciences
Classification: Uncertain significance for ABCC2-related condition. Last evaluated: 2026-06-26. Review status: criteria provided, single submitter. Criteria: ACMG Guidelines, 2015. Collection method: clinical testing. Allele origin: germline.
Comment: The ABCC2 c.1399G>A variant is predicted to result in the amino acid substitution p.Val467Ile. To our knowledge, this variant has not been reported in the literature. This variant is reported in 0.0054% of alleles in individuals of East Asian descent in gnomAD. At this time, the clinical significance of this variant is uncertain due to the absence of conclusive functional and genetic evidence.